The following is an entry in ClinVar:

ClinVar aggregate classification (germline): Likely benign. Review status: criteria provided, multiple submitters, no conflicts (2 of 4 stars). 2 submissions from 2 submitters: Likely benign (2). Last evaluated 2026-01-08.

Conditions:
Severe early-onset pulmonary alveolar proteinosis due to MARS deficiency. Also called: PULMONARY ALVEOLAR PROTEINOSIS, REUNION ISLAND; Interstitial lung and liver disease. Identifiers: Orphanet 440427, MedGen C4225400, MONDO:0014206, OMIM 615486.
Charcot-Marie-Tooth disease axonal type 2U. Also called: CHARCOT-MARIE-TOOTH NEUROPATHY, TYPE 2U; CHARCOT-MARIE-TOOTH DISEASE, AXONAL, AUTOSOMAL DOMINANT, TYPE 2U. Identifiers: Orphanet 397735, MedGen C4084821, MONDO:0014566, OMIM 616280.
MARS1-related disorder. Also called: MARS1-related condition.

Allele frequency attached by ClinVar (database versions not stated): gnomAD 0.00007 and 0.00005; TOPMed 0.00009; ExAC 0.00019; 1000 Genomes Project 30x 0.00031; gnomAD exomes 0.00022; 1000 Genomes Project 0.00040.
gnomAD v4.1: 79 of 1,614,182 alleles (0.0049%); highest among the groups gnomAD compares: East Asian, 0.14%; no homozygotes.

Submissions (2):

Labcorp Genetics (formerly Invitae), Labcorp
Classification: Likely benign for Charcot-Marie-Tooth disease axonal type 2U; Severe early-onset pulmonary alveolar proteinosis due to MARS deficiency. Last evaluated: 2026-01-08. Review status: criteria provided, single submitter. Criteria: Invitae Variant Classification Sherloc (09022015). Collection method: clinical testing. Allele origin: germline.

PreventionGenetics, part of Exact Sciences
Classification: Likely benign for MARS1-related condition. Last evaluated: 2025-10-24. Review status: criteria provided, single submitter. Criteria: ACMG Guidelines, 2015. Collection method: clinical testing. Allele origin: germline.
Comment: This variant is classified as likely benign based on ACMG/AMP sequence variant interpretation guidelines (Richards et al. 2015 PMID: 25741868, with internal and published modifications).

NM_004990.4(MARS1):c.46C>G (p.Leu16Val)

Genes: ARHGAP9 (Rho GTPase activating protein 9; minus strand), MARS1 (methionyl-tRNA synthetase 1; plus strand). Cytogenetic location: 12q13.3.
Variant type: single nucleotide variant.
Coding change: c.46C>G on transcript NM_004990.4 (MANE Select); coding-DNA position 46, C replaced by G.
Protein change: p.Leu16Val; replaces leucine 16 with valine.
Molecular consequence: missense variant. On other transcripts: intron variant (1).
Genome position (GRCh38, 1-based): chr12:57,488,136, C>G. VCF-style: chr12-57488136-C-G. GRCh37 (hg19) VCF-style: chr12-57881919-C-G.
Other names: c.-204+476G>C (NM_001319850.2); short protein forms L16V.
Identifiers: ClinVar variation 707511 (VCV000707511.9), dbSNP rs188955897, ClinGen allele CA6650009.